The following is an entry in ClinVar:

ClinVar aggregate classification (germline): Uncertain significance (1 of 4 stars; one submission).

Submission:

Dasa
Classification: Uncertain significance. Last evaluated: 2026-08-03. Review status: criteria provided, single submitter. Criteria: DASA Assertion Criteria. Collection method: clinical testing. Allele origin: germline.
Comment: NM_005573.4(LMNB1):c.182A>T (p.Gln61Leu) is a missense variant that results in the substitution of glutamine with leucine. This variant is rare in population databases. The currently available literature and clinical evidence are not sufficient to establish a definitive association between this variant and the reported condition. Therefore, this variant is classified as a variant of uncertain significance.

NM_005573.4(LMNB1):c.182A>T (p.Gln61Leu)

Gene: LMNB1 (lamin B1; plus strand). Cytogenetic location: 5q23.2.
Variant type: single nucleotide variant.
Coding change: c.182A>T on transcript NM_005573.4 (MANE Select); coding-DNA position 182, A replaced by T.
Protein change: p.Gln61Leu; replaces glutamine 61 with leucine.
Molecular consequence: missense variant. On other transcripts: non-coding transcript variant (2), intron variant (1).
Genome position (GRCh38, 1-based): chr5:126,777,690, A>T. VCF-style: chr5-126777690-A-T. GRCh37 (hg19) VCF-style: chr5-126113382-A-T.
Other names: c.-272+446A>T (NM_001198557.2); short protein forms Q61L.
Identifiers: ClinVar variation 5020843 (VCV005020843.1).